The following is an entry in ClinVar:

ClinVar aggregate classification (germline): Uncertain significance (1 of 4 stars; one submission).

Conditions:
Hereditary cancer-predisposing syndrome. Also called: Tumor predisposition; Neoplastic Syndromes, Hereditary; Hereditary Cancer Syndrome; Hereditary neoplastic syndrome. Identifiers: Orphanet 140162, MedGen C0027672, MeSH D009386, MONDO:0015356.

Submission:

Ambry Genetics
Classification: Uncertain significance for Hereditary cancer-predisposing syndrome. Last evaluated: 2025-02-08. Review status: criteria provided, single submitter. Criteria: Ambry Variant Classification Scheme 2023. Collection method: clinical testing. Allele origin: germline.
Comment: The p.S7T variant (also known as c.19T>A), located in coding exon 1 of the PHOX2B gene, results from a T to A substitution at nucleotide position 19. The serine at codon 7 is replaced by threonine, an amino acid with similar properties. This amino acid position is conserved. In addition, the in silico prediction for this alteration is inconclusive. Based on the available evidence, the clinical significance of this variant remains unclear.

NM_003924.4(PHOX2B):c.19T>A (p.Ser7Thr)

Genes: PHOX2B-AS1 (PHOX2B antisense RNA 1; plus strand), PHOX2B (paired like homeobox 2B; minus strand). Cytogenetic location: 4p13.
Variant type: single nucleotide variant.
Coding change: c.19T>A on transcript NM_003924.4 (MANE Select); coding-DNA position 19, T replaced by A.
Protein change: p.Ser7Thr; replaces serine 7 with threonine.
Molecular consequence: missense variant.
Genome position (GRCh38, 1-based): chr4:41,748,592, A>T on the plus strand (T>A on the coding strand, the complement: PHOX2B is on the minus strand). VCF-style: chr4-41748592-A-T. GRCh37 (hg19) VCF-style: chr4-41750609-A-T.
Other names: short protein forms S7T.
Identifiers: ClinVar variation 3888498 (VCV003888498.1).